The following is an entry in ClinVar:

NM_015692.5(CPAMD8):c.1881del (p.Arg627fs)

Gene: CPAMD8 (C3 and PZP like alpha-2-macroglobulin domain containing 8; minus strand). Cytogenetic location: 19p13.11.
Variant type: Deletion.
Coding change: c.1881del on transcript NM_015692.5 (MANE Select); coding-DNA position 1881, one base deleted (G; older notation c.1881delG).
Protein change: p.Arg627fs; shifts the reading frame from arginine 627.
Molecular consequence: frameshift variant.
Genome position (GRCh38, 1-based): chr19:16,976,029, C deleted on the plus strand (G on the coding strand, the reverse complement: CPAMD8 is on the minus strand); the first of 2 consecutive C bases (chr19:16,976,029-16,976,030); deleting either gives the same sequence. VCF-style (leftmost placement, unchanged base first): chr19-16976028-AC-A. GRCh37 (hg19) VCF-style: chr19-17086838-AC-A.
Other names: short protein forms R627fs.
Identifiers: ClinVar variation 1917220 (VCV001917220.7), dbSNP rs772486886, ClinGen allele CA9285537.

ClinVar aggregate classification (germline): Pathogenic/Likely pathogenic. Review status: criteria provided, multiple submitters, no conflicts (2 of 4 stars). 3 submissions from 3 submitters: Pathogenic (2); Likely pathogenic (1). Last evaluated 2025-02-16.

Conditions:
CPAMD8-related disorders.

Submissions (3):

Laboratory of Genetics, Children's Clinical University Hospital Latvia
Classification: Pathogenic. Last evaluated: 2025-02-16. Review status: criteria provided, single submitter. Criteria: ACMG Guidelines, 2015. Collection method: clinical testing. Allele origin: germline. Affected: yes.

Blueprint Genetics
Classification: Likely pathogenic for CPAMD8-related disorders. Last evaluated: 2024-07-24. Review status: criteria provided, single submitter. Criteria: ACMG Guidelines, 2015. Collection method: clinical testing. Allele origin: germline. Affected: yes. Observed: 5 variant alleles.

Labcorp Genetics (formerly Invitae), Labcorp
Classification: Pathogenic. Last evaluated: 2023-10-13. Review status: criteria provided, single submitter. Criteria: Invitae Variant Classification Sherloc (09022015). Collection method: clinical testing. Allele origin: germline.
Comment: This sequence change creates a premature translational stop signal (p.Arg674Serfs*6) in the CPAMD8 gene. It is expected to result in an absent or disrupted protein product. Loss-of-function variants in CPAMD8 are known to be pathogenic (PMID: 27839872, 29556725). This variant is present in population databases (rs772486886, gnomAD 0.004%). This variant has not been reported in the literature in individuals affected with CPAMD8-related conditions. ClinVar contains an entry for this variant (Variation ID: 1917220). For these reasons, this variant has been classified as Pathogenic.

Literature cited by the submitters: PubMed 27839872 (cited by Labcorp Genetics (formerly Invitae), Labcorp); PubMed 29556725 (cited by Labcorp Genetics (formerly Invitae), Labcorp).